The following is an entry in ClinVar:

NM_000535.7(PMS2):c.465C>G (p.Thr155=)

Gene: PMS2 (PMS1 homolog 2, mismatch repair system component; minus strand). Cytogenetic location: 7p22.1.
Variant type: single nucleotide variant.
Coding change: c.465C>G on transcript NM_000535.7 (MANE Select); coding-DNA position 465, C replaced by G.
Protein change: p.Thr155=; no amino-acid change (threonine 155 retained).
Molecular consequence: synonymous variant. On other transcripts: 5 prime UTR variant (2), non-coding transcript variant (1).
Genome position (GRCh38, 1-based): chr7:6,002,525, G>C on the plus strand (C>G on the coding strand, the complement: PMS2 is on the minus strand). VCF-style: chr7-6002525-G-C. GRCh37 (hg19) VCF-style: chr7-6042156-G-C.
Other names: c.60C>G, p.Thr20= (NM_001322003.2, NM_001322004.2, NM_001322005.2 and 3 more transcripts); c.465C>G, p.Thr155= (NM_001322006.2, NM_001322014.2); c.147C>G, p.Thr49= (NM_001322007.2, NM_001322008.2); c.-420C>G (NM_001322011.2, NM_001322012.2); c.156C>G, p.Thr52= (NM_001322015.2).
Identifiers: ClinVar variation 825078 (VCV000825078.10), dbSNP rs863224369, ClinGen allele CA453647639.

ClinVar aggregate classification (germline): Benign/Likely benign. Review status: criteria provided, multiple submitters, no conflicts (2 of 4 stars). 3 submissions from 3 submitters: Benign (1); Likely benign (2). Last evaluated 2025-01-27.

Conditions:
Hereditary nonpolyposis colorectal neoplasms. Identifiers: MedGen C0009405, MeSH D003123.
Hereditary cancer-predisposing syndrome. Also called: Neoplastic Syndromes, Hereditary; Tumor predisposition; Hereditary neoplastic syndrome; Hereditary Cancer Syndrome. Identifiers: Orphanet 140162, MedGen C0027672, MeSH D009386, MONDO:0015356.
Lynch syndrome 4 (LYNCH4). Also called: Colorectal cancer, hereditary nonpolyposis, type 4; Hereditary non-polyposis colorectal cancer, type 4. Identifiers: Orphanet 144, MedGen C1838333, MONDO:0013699, OMIM 614337. Disease mechanism: loss of function.

Allele frequency attached by ClinVar (database versions not stated): gnomAD exomes below 0.00001.
gnomAD v4.1: 1 of 1,611,540 alleles (0.000062%); highest among the groups gnomAD compares: East Asian, 0.0022%; no homozygotes.

Submissions (3):

Myriad Genetics, Inc.
Classification: Benign for Lynch syndrome 4. Last evaluated: 2025-01-27. Review status: criteria provided, single submitter. Criteria: Myriad Autosomal Dominant, Autosomal Recessive and X-Linked Classification Criteria (2023). Collection method: clinical testing. Allele origin: unknown.
Comment: This variant is considered benign. This variant is a silent/synonymous amino acid change and it is not expected to impact splicing.

Labcorp Genetics (formerly Invitae), Labcorp
Classification: Likely benign for Hereditary nonpolyposis colorectal neoplasms. Last evaluated: 2022-08-10. Review status: criteria provided, single submitter. Criteria: Invitae Variant Classification Sherloc (09022015). Collection method: clinical testing. Allele origin: germline.

Ambry Genetics
Classification: Likely benign for Hereditary cancer-predisposing syndrome. Last evaluated: 2019-11-11. Review status: criteria provided, single submitter. Criteria: Ambry Variant Classification Scheme 2023. Collection method: clinical testing. Allele origin: germline.